The following is an entry in ClinVar:

NM_004813.4(PEX16):c.419C>G (p.Pro140Arg)

Gene: PEX16 (peroxisomal biogenesis factor 16; minus strand). Cytogenetic location: 11p11.2.
Variant type: single nucleotide variant.
Coding change: c.419C>G on transcript NM_004813.4 (MANE Select); coding-DNA position 419, C replaced by G.
Protein change: p.Pro140Arg; replaces proline 140 with arginine.
Molecular consequence: missense variant.
Genome position (GRCh38, 1-based): chr11:45,915,509, G>C on the plus strand (C>G on the coding strand, the complement: PEX16 is on the minus strand). VCF-style: chr11-45915509-G-C. GRCh37 (hg19) VCF-style: chr11-45937060-G-C.
Other names: c.419C>G (NM_004813.2); c.419C>G, p.Pro140Arg (NM_057174.3); short protein forms P140R.
Identifiers: ClinVar variation 1445420 (VCV001445420.12), dbSNP rs764641368, ClinGen allele CA5959981.

ClinVar aggregate classification (germline): Uncertain significance. Review status: criteria provided, multiple submitters, no conflicts (2 of 4 stars). 2 submissions from 2 submitters: Uncertain significance (2). Last evaluated 2025-08-24.

Conditions:
Inborn genetic diseases. Identifiers: MedGen C0950123, MeSH D030342.
Peroxisome biogenesis disorder. Identifiers: Orphanet 79189, MedGen C1832200, MONDO:0019234. Disease mechanism: loss of function.

Allele frequency attached by ClinVar (database versions not stated): ExAC 0.00001; gnomAD exomes 0.00001; gnomAD 0.00002; TOPMed 0.00002.
gnomAD v4.1: 18 of 1,614,058 alleles (0.0011%); highest among the groups gnomAD compares: African/African-American, 0.0013%; no homozygotes.

Submissions (2):

Ambry Genetics
Classification: Uncertain significance for Inborn genetic diseases. Last evaluated: 2025-08-24. Review status: criteria provided, single submitter. Criteria: Ambry Variant Classification Scheme 2023. Collection method: clinical testing. Allele origin: germline.

Labcorp Genetics (formerly Invitae), Labcorp
Classification: Uncertain significance for Peroxisome biogenesis disorder. Last evaluated: 2022-02-03. Review status: criteria provided, single submitter. Criteria: Invitae Variant Classification Sherloc (09022015). Collection method: clinical testing. Allele origin: germline.
Comment: In summary, the available evidence is currently insufficient to determine the role of this variant in disease. Therefore, it has been classified as a Variant of Uncertain Significance. Algorithms developed to predict the effect of missense changes on protein structure and function are either unavailable or do not agree on the potential impact of this missense change (SIFT: "Tolerated"; PolyPhen-2: "Probably Damaging"; Align-GVGD: "Class C0"). This variant has not been reported in the literature in individuals affected with PEX16-related conditions. This variant is present in population databases (rs764641368, gnomAD 0.002%). This sequence change replaces proline, which is neutral and non-polar, with arginine, which is basic and polar, at codon 140 of the PEX16 protein (p.Pro140Arg).